The following is an entry in ClinVar:

NM_000492.4(CFTR):c.2758G>C (p.Val920Leu)

Gene: CFTR (CF transmembrane conductance regulator; plus strand). Cytogenetic location: 7q31.2.
Variant type: single nucleotide variant.
Coding change: c.2758G>C on transcript NM_000492.4 (MANE Select); coding-DNA position 2758, G replaced by C.
Protein change: p.Val920Leu; replaces valine 920 with leucine.
Molecular consequence: missense variant.
Genome position (GRCh38, 1-based): chr7:117,603,632, G>C. VCF-style: chr7-117603632-G-C. GRCh37 (hg19) VCF-style: chr7-117243686-G-C.
Other names: short protein forms V920L.
Identifiers: ClinVar variation 1795633 (VCV001795633.2), dbSNP rs373885282, ClinGen allele CA368986672.

ClinVar aggregate classification (germline): Uncertain significance (1 of 4 stars; one submission).

Conditions:
Cystic fibrosis (CF). Also called: MUCOVISCIDOSIS. Identifiers: Orphanet 586, MedGen C0010674, MONDO:0009061, OMIM 219700. Disease mechanism: loss of function.

Submission:

Ambry Genetics
Classification: Uncertain significance for Cystic fibrosis. Last evaluated: 2022-09-22. Review status: criteria provided, single submitter. Criteria: Ambry Variant Classification Scheme 2023. Collection method: clinical testing. Allele origin: germline.
Comment: The p.V920L variant (also known as c.2758G>C), located in coding exon 17 of the CFTR gene, results from a G to C substitution at nucleotide position 2758. The valine at codon 920 is replaced by leucine, an amino acid with highly similar properties. This alteration was identified in an individual with azoospermia. This individual was also identified to carry p.F508del however the phase of these alterations was not documented (Rudnik-Sch&ouml;neborn S et al. Hum Reprod, 2021 02;36:551-559). This amino acid position is highly conserved in available vertebrate species. In addition, this alteration is predicted to be deleterious by in silico analysis. Since supporting evidence is limited at this time, the clinical significance of this alteration remains unclear.

Literature cited by the submitters: PubMed 33374015.